The following is an entry in ClinVar:

ClinVar aggregate classification (germline): Likely benign. Review status: criteria provided, multiple submitters, no conflicts (2 of 4 stars). 2 submissions from 2 submitters: Likely benign (2). Last evaluated 2026-06-01.

Submissions (2):

CeGaT Center for Human Genetics Tuebingen
Classification: Likely benign. Last evaluated: 2026-06-01. Review status: criteria provided, single submitter. Criteria: CeGaT Center For Human Genetics Tuebingen Variant Classification Criteria Version 2. Collection method: clinical testing. Allele origin: germline. Affected: yes. Observed: 5 variant alleles.
Comment: TTN: PM2:Supporting, BP4, BP7

Breakthrough Genomics
Classification: Likely benign. Review status: criteria provided, single submitter. Criteria: ACMG Guidelines, 2015. Collection method: not provided. Allele origin: germline. Inheritance: Autosomal recessive inheritance. Affected: yes.

NM_001267550.2(TTN):c.38067T>A (p.Pro12689=)

Gene: TTN (titin; minus strand). Cytogenetic location: 2q31.2.
Variant type: single nucleotide variant.
Coding change: c.38067T>A on transcript NM_001267550.2 (MANE Select); coding-DNA position 38067, T replaced by A.
Protein change: p.Pro12689=; no amino-acid change (proline 12689 retained).
Molecular consequence: synonymous variant. On other transcripts: intron variant (5).
Genome position (GRCh38, 1-based): chr2:178,654,967, A>T on the plus strand (T>A on the coding strand, the complement: TTN is on the minus strand). VCF-style: chr2-178654967-A-T. GRCh37 (hg19) VCF-style: chr2-179519694-A-T.
Other names: c.13283-12650T>A (NM_003319.4); c.13859-12650T>A (NM_133437.4); c.13658-12650T>A (NM_133432.3); c.31742-2426T>A (NM_133378.4); c.34523-2426T>A (NM_001256850.1).
Identifiers: ClinVar variation 1675823 (VCV001675823.34), dbSNP rs1404924290, ClinGen allele CA430111926.
Genomic context (GRCh38, chr2:178,654,967, plus strand): 5'-TCTACCTTTTGTGGGTGGCACTTCAGGCTTTTTAGGAGGAGGCACTGGCACTTTCTTTTC[A>T]GGAACAACTTCTTTGGGAGCCTCAGGCACTTGAAAGATATTAGTGAAATTACATTTAGGC-3'
Protein context (NP_001254479.2, residues 12679-12699): KVPEAPKEVV[Pro12689=]EKKVPVPPPK